The following is an entry in ClinVar:

NM_198253.3(TERT):c.2282G>A (p.Ser761Asn)

Gene: TERT (telomerase reverse transcriptase; minus strand). Cytogenetic location: 5p15.33.
Variant type: single nucleotide variant.
Coding change: c.2282G>A on transcript NM_198253.3 (MANE Select); coding-DNA position 2282, G replaced by A.
Protein change: p.Ser761Asn; replaces serine 761 with asparagine.
Molecular consequence: missense variant. On other transcripts: non-coding transcript variant (2).
Genome position (GRCh38, 1-based): chr5:1,278,645, C>T on the plus strand (G>A on the coding strand, the complement: TERT is on the minus strand). VCF-style: chr5-1278645-C-T. GRCh37 (hg19) VCF-style: chr5-1278760-C-T.
Other names: c.2282G>A, p.Ser761Asn (NM_001193376.3); short protein forms S761N.
Identifiers: ClinVar variation 972247 (VCV000972247.12), dbSNP rs1749780917, ClinGen allele CA359078672.

ClinVar aggregate classification (germline): Uncertain significance. Review status: criteria provided, multiple submitters, no conflicts (2 of 4 stars). 2 submissions from 2 submitters: Uncertain significance (2). Last evaluated 2022-04-01.

Conditions:
Dyskeratosis congenita. Identifiers: Orphanet 1775, MedGen C0265965, MONDO:0015780.
Idiopathic Pulmonary Fibrosis. Also called: Idiopathic fibrosing alveolitis, chronic form; idiopathic fibrosing alveolitis. Identifiers: Orphanet 2032, MedGen C1800706, MeSH D054990, MONDO:0800504.
Dyskeratosis congenita, autosomal dominant 2. Identifiers: MedGen C3151443, MONDO:0013521, OMIM 613989.

Allele frequency attached by ClinVar (database versions not stated): gnomAD exomes below 0.00001.
gnomAD v4.1: 1 of 1,614,124 alleles (0.000062%); highest among the groups gnomAD compares: Non-Finnish European, 0.000085%; no homozygotes.

Submissions (2):

Ambry Genetics
Classification: Uncertain significance for Dyskeratosis congenita. Last evaluated: 2022-04-01. Review status: criteria provided, single submitter. Criteria: Ambry Variant Classification Scheme 2023. Collection method: clinical testing. Allele origin: germline.
Comment: The p.S761N variant (also known as c.2282G>A), located in coding exon 6 of the TERT gene, results from a G to A substitution at nucleotide position 2282. The serine at codon 761 is replaced by asparagine, an amino acid with highly similar properties. This amino acid position is conserved. In addition, this alteration is predicted to be tolerated by in silico analysis. Since supporting evidence is limited at this time, the clinical significance of this alteration remains unclear.

Labcorp Genetics (formerly Invitae), Labcorp
Classification: Uncertain significance for Dyskeratosis congenita, autosomal dominant 2; Idiopathic Pulmonary Fibrosis. Last evaluated: 2020-07-23. Review status: criteria provided, single submitter. Criteria: Invitae Variant Classification Sherloc (09022015). Collection method: clinical testing. Allele origin: germline.
Comment: In summary, the available evidence is currently insufficient to determine the role of this variant in disease. Therefore, it has been classified as a Variant of Uncertain Significance. Algorithms developed to predict the effect of missense changes on protein structure and function (SIFT, PolyPhen-2, Align-GVGD) all suggest that this variant is likely to be tolerated, but these predictions have not been confirmed by published functional studies and their clinical significance is uncertain. This variant has not been reported in the literature in individuals with TERT-related conditions. This variant is not present in population databases (ExAC no frequency). This sequence change replaces serine with asparagine at codon 761 of the TERT protein (p.Ser761Asn). The serine residue is weakly conserved and there is a small physicochemical difference between serine and asparagine.